The following continues an entry in ClinVar:

NM_000059.4(BRCA2):c.3545_3546del (p.Gln1181_Phe1182insTer)

Gene: BRCA2. ClinVar aggregate classification (germline): Pathogenic. Pathogenic (1).

Submissions 9 to 21 of 37:

Molecular Diagnostics Laboratory, Catalan Institute of Oncology
Classification: Pathogenic for Hereditary cancer-predisposing syndrome. Last evaluated: 2024-11-11. Review status: criteria provided, single submitter. Criteria: ClinGen BRCA1BRCA2 ACMG Specifications BRCA2 V1.0.0. Collection method: clinical testing. Allele origin: germline. Not counted in ClinVar's aggregate classification.
Comment: PVS1, PM5_PTC_Strong c.3545_3546del, located in exon 11 of the BRCA2 gene, consists in the deletion of two nucleotides, causing the insertion of a stop codon, p.(Phe1182*). This alteration is expected to result in loss of function by premature protein truncation and nonsense-mediated mRNA decay (PVS1, PM5_PTC_Strong). This variant is found in 5/267852 alleles, at a frequency of 0.0019% in the gnomAD v2.1.1 database, non-cancer data set. No effect is predicted on splicing by SpliceAI. This variant has been reported together with the BRCA2 c.6938-12A>G variant in an individual affected with Fanconi anemia during childhood with a family history of early-onset breast cancer (PMID: 25381700). In addition, this variant has been reported in the ClinVar database (29x pathogenic, 1x likely pathogenic), in the LOVD database (26x pathogenic, 1x uncertain significance) and in the BRCA Exchange database as a pathogenic variant (‘Variant allele predicted to encode a truncated non-functional protein’). Based on currently available information, the variant c.3545_3546del should be considered a pathogenic variant.

Quest Diagnostics Nichols Institute San Juan Capistrano
Classification: Pathogenic. Last evaluated: 2024-08-06. Review status: criteria provided, single submitter. Criteria: Quest Diagnostics criteria. Collection method: clinical testing. Allele origin: unknown. Not counted in ClinVar's aggregate classification.
Comment: This nonsense variant causes the premature termination of BRCA2 protein synthesis. The frequency of this variant in the general population, 0.000044 (5/113332 chromosomes), is consistent with pathogenicity. In the published literature, the variant is also known as 3773delTT, and it has been reported in individuals affected with breast and/or ovarian cancer (PMID: 25884701 (2015), 21324516 (2011), 20694749 (2010), 20104584 (2010)). Based on the available information, this variant is classified as pathogenic.

All of Us Research Program, National Institutes of Health
Classification: Pathogenic for BRCA2-related cancer predisposition. Last evaluated: 2024-07-29. Review status: criteria provided, single submitter. Criteria: ACMG Guidelines, 2015. Collection method: clinical testing. Allele origin: germline. Inheritance: Autosomal dominant inheritance. Observed: 9 variant alleles, 9 heterozygotes. Not counted in ClinVar's aggregate classification.
Comment: This variant deletes 2 nucleotides in exon 11 of the BRCA2 gene, creating a frameshift and premature translation stop signal. This variant is expected to result in an absent or non-functional protein product. This variant has been reported in at least five individuals and in families affected with breast and/or ovarian cancer (PMID: 15131399, 15382066, 20104584, 20694749, 21324516, 24156927, 29084914, 29339979, 33471991; Leiden Open Variation Database DB-ID BRCA2_001009) and in an individual affected with Fanconi anemia with a family history of early-onset breast cancer (PMID: 25381700). This variant has been identified in 5/250970 chromosomes in the general population by the Genome Aggregation Database (gnomAD). Loss of BRCA2 function is a known mechanism of disease. Based on the available evidence, this variant is classified as Pathogenic.

This study involves interpretation of variants in research participants for the purpose of population health screening. Participant phenotype was not available at the time of variant classification. Additional details can be found in publication PMID: 35346344, PMCID: PMC8962531

Color Diagnostics, LLC DBA Color Health
Classification: Pathogenic for Hereditary cancer-predisposing syndrome. Last evaluated: 2024-05-08. Review status: criteria provided, single submitter. Criteria: ACMG Guidelines, 2015. Collection method: clinical testing. Allele origin: germline. Not counted in ClinVar's aggregate classification.
Comment: This variant deletes 2 nucleotides in exon 11 of the BRCA2 gene, creating a frameshift and premature translation stop signal. This variant is expected to result in an absent or non-functional protein product. This variant has been reported in at least five individuals and in families affected with breast and/or ovarian cancer (PMID: 15131399, 15382066, 20104584, 20694749, 21324516, 24156927, 29084914, 29339979, 33471991; Leiden Open Variation Database DB-ID BRCA2_001009) and in an individual affected with Fanconi anemia with a family history of early-onset breast cancer (PMID: 25381700). This variant has been identified in 5/250970 chromosomes in the general population by the Genome Aggregation Database (gnomAD). Loss of BRCA2 function is a known mechanism of disease. Based on the available evidence, this variant is classified as Pathogenic.

Baylor Genetics
Classification: Pathogenic for Familial cancer of breast. Last evaluated: 2024-03-05. Review status: criteria provided, single submitter. Criteria: ACMG Guidelines, 2015. Collection method: clinical testing. Allele origin: unknown. Not counted in ClinVar's aggregate classification.

Fulgent Genetics
Classification: Pathogenic for Familial cancer of breast; Medulloblastoma; Familial prostate cancer; Wilms tumor 1; Fanconi anemia complementation group D1; Breast-ovarian cancer, familial, susceptibility to, 2; Glioma susceptibility 3; Pancreatic cancer, susceptibility to, 2. Last evaluated: 2024-03-05. Review status: criteria provided, single submitter. Criteria: ACMG Guidelines, 2015. Collection method: clinical testing. Allele origin: germline. Not counted in ClinVar's aggregate classification.

Blueprint Genetics
Classification: Pathogenic for BRCA2-related disorders. Last evaluated: 2024-01-22. Review status: criteria provided, single submitter. Criteria: ACMG Guidelines, 2015. Collection method: clinical testing. Allele origin: germline. Affected: yes. Observed: 5 variant alleles. Not counted in ClinVar's aggregate classification.

CeGaT Center for Human Genetics Tuebingen
Classification: Pathogenic. Last evaluated: 2024-01-01. Review status: criteria provided, single submitter. Criteria: CeGaT Center For Human Genetics Tuebingen Variant Classification Criteria Version 2. Collection method: clinical testing. Allele origin: germline. Affected: yes. Observed: 1 variant allele. Not counted in ClinVar's aggregate classification.
Comment: BRCA2: PVS1, PM2, PS4:Moderate

CHEO Genetics Diagnostic Laboratory, Children's Hospital of Eastern Ontario
Classification: Pathogenic for Breast and/or ovarian cancer. Last evaluated: 2023-04-28. Review status: criteria provided, single submitter. Criteria: ACMG Guidelines, 2015. Collection method: clinical testing. Allele origin: germline. Not counted in ClinVar's aggregate classification.

Revvity Omics, Revvity
Classification: Pathogenic. Last evaluated: 2022-11-21. Review status: criteria provided, single submitter. Criteria: ACMG Guidelines, 2015. Collection method: clinical testing. Allele origin: germline. Not counted in ClinVar's aggregate classification.

Laboratory for Molecular Medicine, Mass General Brigham Personalized Medicine
Classification: Pathogenic for Hereditary breast ovarian cancer syndrome. Last evaluated: 2022-10-14. Review status: criteria provided, single submitter. Criteria: ACMG Guidelines, 2015. Collection method: clinical testing. Allele origin: germline. Inheritance: Autosomal dominant inheritance. Not counted in ClinVar's aggregate classification.
Comment: The p.Phe1182X variant in BRCA2 has been reported in >20 individuals with BRCA2-associated cancers (Breast Cancer Information Core (BIC) database, Lubinski 2004 PMID: 15131399, Borg 2010 PMID: 20104584, Cavallone 2010 PMID: 20694749, Zhang 2011 PMID: 21324516, Finkelman 2012 PMID: 22430266, Tea 2014 PMID: 24156927, Belanger 2015 PMID: 25884701, Polsler 2016 PMID: 26014432, Shindo 2017 PMID: 28767289, Heramb 2018 PMID: 29339979, Labidi-Galy 2018 PMID: 29084914, Cremin 2020 PMID: 32255556). It has also been identified in 0.004% (5/113332) of European chromosomes by gnomAD; however, this frequency is low enough to be consistent with the frequency of hereditary breast and ovarian cancer (HBOC) in the general population. This nonsense variant leads to a premature termination codon at position 1182, which is predicted to lead to a truncated or absent protein. Heterozygous loss of function of the BRCA2 gene is an established disease mechanism in autosomal dominant HBOC. Furthermore, the p.Phe1182X variant was classified as pathogenic on April 22, 2016 by the ClinGen-approved ENIGMA expert panel (ClinVar SCV000282379.1). In summary, this variant meets criteria to be classified as pathogenic for autosomal dominant HBOC. ACMG/AMP criteria applied: PVS1, PS4, PM2_Supporting.

Johns Hopkins Genomics, Johns Hopkins University
Classification: Pathogenic for Breast-ovarian cancer, familial, susceptibility to, 2. Last evaluated: 2022-05-04. Review status: criteria provided, single submitter. Criteria: ACMG Guidelines, 2015. Collection method: clinical testing. Allele origin: germline. Not counted in ClinVar's aggregate classification.
Comment: This BRCA2 variant (rs80359388) is rare (<0.1%) in a large population dataset (5/250970 total alleles; 0.002%; no homozygotes) and has an entry in ClinVar11. This nonsense variant, also known as 3772delTT and 3773delTT, has been reported in multiple unrelated individuals affected with hereditary breast and ovarian cancer. This frameshift variant creates a premature termination codon in exon 11 likely leading to nonsense-mediated decay and lack of protein production. We consider c.3545_3546del to be pathogenic.

Women's Health and Genetics/Laboratory Corporation of America, LabCorp
Classification: Pathogenic for Hereditary breast ovarian cancer syndrome. Last evaluated: 2021-07-18. Review status: criteria provided, single submitter. Criteria: LabCorp Variant Classification Summary - May 2015. Collection method: clinical testing. Allele origin: germline. Not counted in ClinVar's aggregate classification.
Comment: Variant summary: BRCA2 c.3545_3546delTT (p.Phe1182X) results in a premature termination codon, predicted to cause a truncation of the encoded protein or absence of the protein due to nonsense mediated decay, which are commonly known mechanisms for disease. Truncations downstream of this position have been classified as pathogenic by our laboratory. The variant allele was found at a frequency of 2e-05 in 250970 control chromosomes. c.3545_3546delTT has been reported in the literature in multiple individuals affected with Hereditary Breast And Ovarian Cancer Syndrome (example, Rebbeck_2018). These data indicate that the variant is very likely to be associated with disease. Multiple clinical diagnostic laboratories, an expert panel (ENIGMA) and a consortium (CIMBA) have submitted clinical-significance assessments for this variant to ClinVar after 2014 without evidence for independent evaluation. All submitters classified the variant as pathogenic. Based on the evidence outlined above, the variant was classified as pathogenic.